The following is an entry in ClinVar:

ClinVar aggregate classification (germline): Conflicting classifications of pathogenicity. Review status: criteria provided, conflicting classifications (1 of 4 stars). 4 submissions from 4 submitters: Uncertain significance (3); Likely benign (1). Last evaluated 2026-07-02.

Conditions:
Usher syndrome type 2C. Also called: USHER SYNDROME, TYPE IIC; Usher syndrome, type 2B. Identifiers: Orphanet 231178, Orphanet 886, MedGen C2931213, MONDO:0011558, OMIM 605472.

Allele frequency attached by ClinVar (database versions not stated): ExAC 0.00003; gnomAD 0.00003 and below 0.00001; TOPMed 0.00001; gnomAD exomes 0.00002.
gnomAD v4.1: 29 of 1,613,392 alleles (0.0018%); highest among the groups gnomAD compares: South Asian, 0.015%; no homozygotes.

Submissions (4):

GeneDx
Classification: Uncertain significance. Last evaluated: 2026-07-02. Review status: criteria provided, single submitter. Criteria: GeneDx Variant Classification Process June 2021. Collection method: clinical testing. Allele origin: germline.
Comment: Reported in a patient with epilepsy in published literature (PMID: 36399868); variant inherited from father with childhood seizures; In silico analysis suggests that this missense variant does not alter protein structure/function; This variant is associated with the following publications: (PMID: 36399868)

Labcorp Genetics (formerly Invitae), Labcorp
Classification: Likely benign. Last evaluated: 2025-06-10. Review status: criteria provided, single submitter. Criteria: Invitae Variant Classification Sherloc (09022015). Collection method: clinical testing. Allele origin: germline.

Women's Health and Genetics/Laboratory Corporation of America, LabCorp
Classification: Uncertain significance. Last evaluated: 2024-04-01. Review status: criteria provided, single submitter. Criteria: LabCorp Variant Classification Summary - May 2015. Collection method: clinical testing. Allele origin: germline.
Comment: Variant summary: ADGRV1 c.13718C>T (p.Ala4573Val) results in a non-conservative amino acid change in the encoded protein sequence. Three of five in-silico tools predict a benign effect of the variant on protein function. The variant allele was found at a frequency of 2.4e-05 in 248792 control chromosomes. The available data on variant occurrences in the general population are insufficient to allow any conclusion about variant significance. To our knowledge, no occurrence of c.13718C>T in individuals affected with Usher Syndrome and no experimental evidence demonstrating its impact on protein function have been reported. ClinVar contains an entry for this variant (Variation ID: 906558). Based on the evidence outlined above, the variant was classified as uncertain significance.

Illumina Laboratory Services, Illumina
Classification: Uncertain significance for Usher syndrome type 2C. Last evaluated: 2018-01-12. Review status: criteria provided, single submitter. Criteria: ICSL Variant Classification Criteria 13 December 2019. Collection method: clinical testing. Allele origin: germline.

NM_032119.4(ADGRV1):c.13718C>T (p.Ala4573Val)

Gene: ADGRV1 (adhesion G protein-coupled receptor V1; plus strand). Cytogenetic location: 5q14.3.
Variant type: single nucleotide variant.
Coding change: c.13718C>T on transcript NM_032119.4 (MANE Select); coding-DNA position 13718, C replaced by T.
Protein change: p.Ala4573Val; replaces alanine 4573 with valine.
Molecular consequence: missense variant. On other transcripts: non-coding transcript variant (1).
Genome position (GRCh38, 1-based): chr5:90,788,135, C>T. VCF-style: chr5-90788135-C-T. GRCh37 (hg19) VCF-style: chr5-90083952-C-T.
Other names: short protein forms A4573V.
Identifiers: ClinVar variation 906558 (VCV000906558.10), dbSNP rs749839670, ClinGen allele CA3341593.
Genomic context (GRCh38, chr5:90,788,135, plus strand): 5'-ACTGGGAGACAGTAGGACCCAACTCTCAAGAAGCCTTACTGCCACAGAATAGAGACATTG[C>T]AGACCCAGTGAGCGGGTTGTTCTATTTTGGAGAAGGAGAAGGAGGAGTGAGAACCATAAT-3'
Protein context (NP_115495.3, residues 4563-4583): EALLPQNRDI[Ala4573Val]DPVSGLFYFG